The following is an entry in ClinVar:

GRCh37/hg19 12p13.33-13.31(chr12:173787-8320544)x3

Genes: GNB3 (G protein subunit beta 3; plus strand), GPR162 (G protein-coupled receptor 162; plus strand), ING4 (inhibitor of growth family member 4; minus strand), IQSEC3 (IQ motif and Sec7 domain ArfGEF 3; plus strand), IFFO1 (intermediate filament family orphan 1; minus strand) and 102 more. Cytogenetic location: 12p13.33-13.31.
Variant type: copy number gain.
Change: copy number 3 (three copies instead of two) of chr12:173,787-8,320,544 (8.15 Mb, GRCh37 coordinates, 1-based), cytogenetic band 12p13.33-13.31.
Identifiers: ClinVar variation 1807708 (VCV001807708.1).

ClinVar aggregate classification (germline): Pathogenic (1 of 4 stars; one submission).

Submission:

Quest Diagnostics Nichols Institute San Juan Capistrano
Classification: Pathogenic. Last evaluated: 2021-06-30. Review status: criteria provided, single submitter. Criteria: ACMG/ClinGen CNV Guidelines, 2019. Collection method: clinical testing. Allele origin: unknown.
Comment: The terminal gain of 12p13.33p13.31 is associated with terminal trisomy 12p syndrome, which is characterized by increased birth weight with postnatal growth retardation, intellectual disability, speech impairment, generalized muscular hypotonia, craniofacial malformations, seizures, and facial dysmorphism including long face, high forehead with receded anterior hairline, short palpebral fissures, wide spaced eyes, hypertelorism, short nose, malar hypoplasia, long philtrum, thin upper lip, wide mouth, and prominent chins (Poirsier et al., Eur J Med Genet. 2014 Apr;57(5):185-94. PMID: 24503147; Segel et al., Am J Med Genet A. 2006 Apr 1;140(7):695-703. PMID: 16502429; Pfeiffer et al., Ann Genet. 1992;35(1):41-6. PMID: 1610119; Liu et al., Gene. 2012 Nov 1;509(1):164-7. PMID: 22959136). Tsai et al. suggested terminal 12p (12p13.3p13.1) might contain a critical region for the facial features of this syndrome (Tsai et al., Am J Med Genet A. 2005 Apr;134A(2):229-30. PMID: 15633165). WNK has been implicated as a candidate gene for the neurodevelopmental phenotype (Mekkawy et al., Am J Med Genet A. 2016 Apr;170A(4):1050-8. PMID: 26749249).